The following is an entry in ClinVar:

NM_000548.5(TSC2):c.1101G>A (p.Arg367=)

Gene: TSC2 (TSC complex subunit 2; plus strand). Cytogenetic location: 16p13.3.
Variant type: single nucleotide variant.
Coding change: c.1101G>A on transcript NM_000548.5 (MANE Select); coding-DNA position 1101, G replaced by A.
Protein change: p.Arg367=; no amino-acid change (arginine 367 retained).
Molecular consequence: synonymous variant.
Genome position (GRCh38, 1-based): chr16:2,060,795, G>A. VCF-style: chr16-2060795-G-A. GRCh37 (hg19) VCF-style: chr16-2110796-G-A.
Other names: c.1101G>A, p.Arg367= (NM_001077183.3, NM_001114382.3, NM_001363528.2 and 3 more transcripts); c.990G>A, p.Arg330= (NM_001318827.2); c.954G>A, p.Arg318= (NM_001318829.2); c.501G>A, p.Arg167= (NM_001318831.2); c.1134G>A, p.Arg378= (NM_001318832.2).
Identifiers: ClinVar variation 50161 (VCV000050161.26), dbSNP rs45517149, ClinGen allele CA013796.

ClinVar aggregate classification (germline): Likely benign. Review status: criteria provided, multiple submitters, no conflicts (2 of 4 stars). 4 submissions from 4 submitters: Likely benign (3). 1 of the submissions does not count toward it. Last evaluated 2026-01-22.

Conditions:
Hereditary cancer-predisposing syndrome. Also called: Hereditary Cancer Syndrome; Tumor predisposition; Neoplastic Syndromes, Hereditary; Hereditary neoplastic syndrome. Identifiers: Orphanet 140162, MedGen C0027672, MeSH D009386, MONDO:0015356.
Tuberous sclerosis syndrome (TSC). Also called: Tuberous Sclerosis Complex; Tuberous sclerosis. Identifiers: Orphanet 805, MedGen C0041341, MONDO:0001734.
Tuberous sclerosis 2 (TSC2). Identifiers: Orphanet 805, MedGen C1860707, MONDO:0013199, OMIM 613254.

Submissions (4):

Ambry Genetics
Classification: Likely benign for Hereditary cancer-predisposing syndrome. Last evaluated: 2026-01-22. Review status: criteria provided, single submitter. Criteria: Ambry Variant Classification Scheme 2023. Collection method: clinical testing. Allele origin: germline.

CeGaT Center for Human Genetics Tuebingen
Classification: Likely benign. Last evaluated: 2024-07-01. Review status: criteria provided, single submitter. Criteria: CeGaT Center For Human Genetics Tuebingen Variant Classification Criteria Version 2. Collection method: clinical testing. Allele origin: germline. Affected: yes. Observed: 1 variant allele.
Comment: TSC2: PM2:Supporting, BP4, BP7

Labcorp Genetics (formerly Invitae), Labcorp
Classification: Likely benign for Tuberous sclerosis 2. Last evaluated: 2022-08-07. Review status: criteria provided, single submitter. Criteria: Invitae Variant Classification Sherloc (09022015). Collection method: clinical testing. Allele origin: germline.

Tuberous sclerosis database (TSC2)
No classification provided. Condition: TSC. Review status: no classification provided. Criteria: Tuberous Sclerosis Database Assertion Criteria 2015. Collection method: curation. Allele origin: germline. Affected: yes. Not counted in ClinVar's aggregate classification.